The following is an entry in ClinVar:

NM_000057.4(BLM):c.248A>G (p.Gln83Arg)

Gene: BLM (BLM RecQ like helicase; plus strand). Cytogenetic location: 15q26.1.
Variant type: single nucleotide variant.
Coding change: c.248A>G on transcript NM_000057.4 (MANE Select); coding-DNA position 248, A replaced by G.
Protein change: p.Gln83Arg; replaces glutamine 83 with arginine.
Molecular consequence: missense variant. On other transcripts: 5 prime UTR variant (1).
Genome position (GRCh38, 1-based): chr15:90,749,516, A>G. VCF-style: chr15-90749516-A-G. GRCh37 (hg19) VCF-style: chr15-91292746-A-G.
Other names: c.248A>G, p.Gln83Arg (NM_001287246.2, NM_001287247.2); c.-1044A>G (NM_001287248.2); short protein forms Q83R.
Identifiers: ClinVar variation 524757 (VCV000524757.11), dbSNP rs377192173, ClinGen allele CA274727856.
Genomic context (GRCh38, chr15:90,749,516, plus strand): 5'-AAGATGTTAATGTTACCGAAGACTTTTCCTTCAGTGAACCTCTACCCAACACCACAAATC[A>G]GCAAAGGGTCAAGGACTTCTTTAAAAATGCTCCAGCAGGACAGGAAACACAGAGAGGTGG-3'
Protein context (NP_000048.1, residues 73-93): FSEPLPNTTN[Gln83Arg]QRVKDFFKNA

ClinVar aggregate classification (germline): Conflicting classifications of pathogenicity. Review status: criteria provided, conflicting classifications (1 of 4 stars). 3 submissions from 3 submitters: Uncertain significance (2); Likely benign (1). Last evaluated 2025-01-29.

Conditions:
Bloom syndrome (BLM). Also called: Bloom-Torre-Machacek syndrome. Identifiers: Orphanet 125, MedGen C0005859, MONDO:0008876, OMIM 210900.
BLM-related disorder. Also called: BLM-related condition.
Hereditary cancer-predisposing syndrome. Also called: Neoplastic Syndromes, Hereditary; Hereditary neoplastic syndrome; Tumor predisposition; Hereditary Cancer Syndrome. Identifiers: Orphanet 140162, MedGen C0027672, MeSH D009386, MONDO:0015356.

Allele frequency attached by ClinVar (database versions not stated): gnomAD exomes 0.00002; TOPMed 0.00002; ESP Exome Variant Server 0.00008.
gnomAD v4.1: 26 of 1,614,228 alleles (0.0016%); highest among the groups gnomAD compares: Non-Finnish European, 0.0022%; no homozygotes.

Submissions (3):

Labcorp Genetics (formerly Invitae), Labcorp
Classification: Uncertain significance for Bloom syndrome. Last evaluated: 2025-01-29. Review status: criteria provided, single submitter. Criteria: Invitae Variant Classification Sherloc (09022015). Collection method: clinical testing. Allele origin: germline.
Comment: This sequence change replaces glutamine, which is neutral and polar, with arginine, which is basic and polar, at codon 83 of the BLM protein (p.Gln83Arg). This variant is not present in population databases (gnomAD no frequency). This variant has not been reported in the literature in individuals affected with BLM-related conditions. ClinVar contains an entry for this variant (Variation ID: 524757). An algorithm developed to predict the effect of missense changes on protein structure and function (PolyPhen-2) suggests that this variant¬†is likely to be tolerated. In summary, the available evidence is currently insufficient to determine the role of this variant in disease. Therefore, it has been classified as a Variant of Uncertain Significance.

Ambry Genetics
Classification: Likely benign for Hereditary cancer-predisposing syndrome. Last evaluated: 2024-03-14. Review status: criteria provided, single submitter. Criteria: Ambry Variant Classification Scheme 2023. Collection method: clinical testing. Allele origin: germline.

PreventionGenetics, part of Exact Sciences
Classification: Uncertain significance for BLM-related condition. Last evaluated: 2023-10-13. Review status: criteria provided, single submitter. Criteria: ACMG Guidelines, 2015. Collection method: clinical testing. Allele origin: germline.
Comment: The BLM c.248A>G variant is predicted to result in the amino acid substitution p.Gln83Arg. To our knowledge, this variant has not been reported in the literature or in a large population database, indicating this variant is rare. At this time, the clinical significance of this variant is uncertain due to the absence of conclusive functional and genetic evidence.